The following is an entry in ClinVar:

NM_005529.7(HSPG2):c.9889+6G>A

Gene: HSPG2 (heparan sulfate proteoglycan 2; minus strand). Cytogenetic location: 1p36.12.
Variant type: single nucleotide variant.
Coding change: c.9889+6G>A on transcript NM_005529.7 (MANE Select); 6 bases into the intron after coding-DNA position 9889, G replaced by A.
Molecular consequence: intron variant.
Genome position (GRCh38, 1-based): chr1:21,839,365, C>T on the plus strand (G>A on the coding strand, the complement: HSPG2 is on the minus strand). VCF-style: chr1-21839365-C-T. GRCh37 (hg19) VCF-style: chr1-22165858-C-T.
Other names: c.9892+6G>A (NM_001291860.2).
Identifiers: ClinVar variation 1895565 (VCV001895565.5), dbSNP rs762003759, ClinGen allele CA670306.

ClinVar aggregate classification (germline): Uncertain significance (1 of 4 stars; one submission).

Allele frequency attached by ClinVar (database versions not stated): ExAC 0.00001; gnomAD 0.00001; TOPMed 0.00002.
gnomAD v4.1: 6 of 1,610,756 alleles (0.00037%); highest among the groups gnomAD compares: African/African-American, 0.008%; no homozygotes.

Submission:

Labcorp Genetics (formerly Invitae), Labcorp
Classification: Uncertain significance. Last evaluated: 2022-08-20. Review status: criteria provided, single submitter. Criteria: Invitae Variant Classification Sherloc (09022015). Collection method: clinical testing. Allele origin: germline.
Comment: In summary, the available evidence is currently insufficient to determine the role of this variant in disease. Therefore, it has been classified as a Variant of Uncertain Significance. Variants that disrupt the consensus splice site are a relatively common cause of aberrant splicing (PMID: 17576681, 9536098). Algorithms developed to predict the effect of sequence changes on RNA splicing suggest that this variant is not likely to affect RNA splicing. This variant has not been reported in the literature in individuals affected with HSPG2-related conditions. This variant is present in population databases (rs762003759, gnomAD 0.01%). This sequence change falls in intron 73 of the HSPG2 gene. It does not directly change the encoded amino acid sequence of the HSPG2 protein. It affects a nucleotide within the consensus splice site.

Literature cited by the submitters: PubMed 17576681; PubMed 9536098.